The following is an entry in ClinVar:

ClinVar aggregate classification (germline): Uncertain significance (1 of 4 stars; one submission).

Conditions:
Myofibrillar myopathy 4. Also called: Zaspopathy (type). Identifiers: Orphanet 98912, MedGen C4721886, MONDO:0012277, OMIM 609452.

Allele frequency attached by ClinVar (database versions not stated): gnomAD exomes below 0.00001.
gnomAD v4.1: 2 of 1,613,590 alleles (0.00012%); highest among the groups gnomAD compares: Admixed American, 0.0017%; no homozygotes.

Submission:

Labcorp Genetics (formerly Invitae), Labcorp
Classification: Uncertain significance for Myofibrillar myopathy 4. Last evaluated: 2022-06-13. Review status: criteria provided, single submitter. Criteria: Invitae Variant Classification Sherloc (09022015). Collection method: clinical testing. Allele origin: germline.
Comment: This variant has not been reported in the literature in individuals affected with LDB3-related conditions. This variant is not present in population databases (gnomAD no frequency). This sequence change replaces serine, which is neutral and polar, with glycine, which is neutral and non-polar, at codon 495 of the LDB3 protein (p.Ser495Gly). The LDB3 gene has multiple clinically relevant transcripts. This variant occurs in alternate transcript NM_007078.3, and corresponds to NM_001080116.1:c.*17204A>G in the primary transcript. Experimental studies and prediction algorithms are not available or were not evaluated, and the functional significance of this variant is currently unknown. In summary, the available evidence is currently insufficient to determine the role of this variant in disease. Therefore, it has been classified as a Variant of Uncertain Significance.

NM_007078.3(LDB3):c.1483A>G (p.Ser495Gly)

Gene: LDB3 (LIM domain binding 3; plus strand). Cytogenetic location: 10q23.2.
Variant type: single nucleotide variant.
Coding change: c.1483A>G on transcript NM_007078.3 (MANE Select); coding-DNA position 1483, A replaced by G.
Protein change: p.Ser495Gly; replaces serine 495 with glycine.
Molecular consequence: missense variant.
Genome position (GRCh38, 1-based): chr10:86,716,578, A>G. VCF-style: chr10-86716578-A-G. GRCh37 (hg19) VCF-style: chr10-88476335-A-G.
Other names: c.1153A>G, p.Ser385Gly (NM_001080114.2); c.1498A>G, p.Ser500Gly (NM_001171610.2); c.1294A>G, p.Ser432Gly (NM_001368064.1, NM_001368065.1); c.1342A>G, p.Ser448Gly (NM_001368066.1); short protein forms S385G, S448G, S432G, S495G, S500G.
Identifiers: ClinVar variation 1357718 (VCV001357718.8), dbSNP rs2132482506, ClinGen allele CA377450952.